The following is an entry in ClinVar:

NM_032119.4(ADGRV1):c.1466C>T (p.Pro489Leu)

Gene: ADGRV1 (adhesion G protein-coupled receptor V1; plus strand). Cytogenetic location: 5q14.3.
Variant type: single nucleotide variant.
Coding change: c.1466C>T on transcript NM_032119.4 (MANE Select); coding-DNA position 1466, C replaced by T.
Protein change: p.Pro489Leu; replaces proline 489 with leucine.
Molecular consequence: missense variant. On other transcripts: non-coding transcript variant (1).
Genome position (GRCh38, 1-based): chr5:90,628,789, C>T. VCF-style: chr5-90628789-C-T. GRCh37 (hg19) VCF-style: chr5-89924606-C-T.
Other names: short protein forms P489L.
Identifiers: ClinVar variation 504577 (VCV000504577.4), dbSNP rs371781264, ClinGen allele CA3338686.
Genomic context (GRCh38, chr5:90,628,789, plus strand): 5'-TTACTGTGGTTGATGATGATCTTCCAGAAGAGGCAGAAGCTTATCTACTTCAAATTCTGC[C>T]TCATACAATACGAGGAGGTGCAGAAGTGAGCGAGCCAGCGGAGGTATAACCCTTGTTATG-3'
Protein context (NP_115495.3, residues 479-499): EAEAYLLQIL[Pro489Leu]HTIRGGAEVS

ClinVar aggregate classification (germline): Uncertain significance (1 of 4 stars; one submission).

Allele frequency attached by ClinVar (database versions not stated): gnomAD exomes below 0.00001 and 0.00001; TOPMed below 0.00001; ExAC 0.00001; ESP Exome Variant Server 0.00008.
gnomAD v4.1: 2 of 1,613,962 alleles (0.00012%); highest among the groups gnomAD compares: Non-Finnish European, 0.00017%; no homozygotes.

Submission:

Laboratory for Molecular Medicine, Mass General Brigham Personalized Medicine
Classification: Uncertain significance. Last evaluated: 2017-05-16. Review status: criteria provided, single submitter. Criteria: LMM Criteria. Collection method: clinical testing. Allele origin: germline. Observed: 1 variant allele.
Comment: The p.Pro489Leu variant in GPR98 has not been previously reported in individuals with hearing loss, but has been identified in 2/111492 European chromosomes by the Genome Aggregation Database (gnomAD; dbSN P rs371781264). Although this variant has been seen in the general population, i ts frequency is not high enough to rule out a pathogenic role. Computational pre diction tools and conservation analysis do not provide strong support for or aga inst an impact to the protein. In summary, the clinical significance of the p.Pr o489Leu variant is uncertain.